The following is an entry in ClinVar:

ClinVar aggregate classification (germline): Uncertain significance (1 of 4 stars; one submission).

Conditions:
Early-infantile DEE. Also called: Ohtahara syndrome; Early infantile epileptic encephalopathy with suppression bursts; Early infantile epileptic encephalopathy. Identifiers: Orphanet 1934, MedGen C0393706, MONDO:0800491.

Allele frequency attached by ClinVar (database versions not stated): gnomAD 0.00001; gnomAD exomes 0.00001; ExAC 0.00002.
gnomAD v4.1: 10 of 1,612,900 alleles (0.00062%); highest among the groups gnomAD compares: South Asian, 0.011%; no homozygotes.

Submission:

Labcorp Genetics (formerly Invitae), Labcorp
Classification: Uncertain significance for Early-infantile DEE. Last evaluated: 2022-05-06. Review status: criteria provided, single submitter. Criteria: Invitae Variant Classification Sherloc (09022015). Collection method: clinical testing. Allele origin: germline.
Comment: This sequence change replaces serine, which is neutral and polar, with asparagine, which is neutral and polar, at codon 595 of the CACNA2D2 protein (p.Ser595Asn). In summary, the available evidence is currently insufficient to determine the role of this variant in disease. Therefore, it has been classified as a Variant of Uncertain Significance. This variant is present in population databases (rs750915057, gnomAD 0.01%). This variant has not been reported in the literature in individuals affected with CACNA2D2-related conditions. Algorithms developed to predict the effect of missense changes on protein structure and function are either unavailable or do not agree on the potential impact of this missense change (SIFT: "Tolerated"; PolyPhen-2: "Possibly Damaging"; Align-GVGD: "Class C0").

NM_006030.4(CACNA2D2):c.1784G>A (p.Ser595Asn)

Gene: CACNA2D2 (calcium voltage-gated channel auxiliary subunit alpha2delta 2; minus strand). Cytogenetic location: 3p21.31.
Variant type: single nucleotide variant.
Coding change: c.1784G>A on transcript NM_006030.4 (MANE Select); coding-DNA position 1784, G replaced by A.
Protein change: p.Ser595Asn; replaces serine 595 with asparagine.
Molecular consequence: missense variant.
Genome position (GRCh38, 1-based): chr3:50,375,870, C>T on the plus strand (G>A on the coding strand, the complement: CACNA2D2 is on the minus strand). VCF-style: chr3-50375870-C-T. GRCh37 (hg19) VCF-style: chr3-50413301-C-T.
Other names: c.1784G>A, p.Ser595Asn (NM_001005505.3, NM_001174051.3, NM_001410768.1); c.1577G>A, p.Ser526Asn (NM_001291101.1); short protein forms S526N, S595N.
Identifiers: ClinVar variation 2154831 (VCV002154831.4), dbSNP rs750915057, ClinGen allele CA2418726.